The following is an entry in ClinVar:

ClinVar aggregate classification (germline): Uncertain significance (1 of 4 stars; one submission).

Conditions:
Inborn genetic diseases. Identifiers: MedGen C0950123, MeSH D030342.

Submission:

Ambry Genetics
Classification: Uncertain significance for Inborn genetic diseases. Last evaluated: 2026-05-19. Review status: criteria provided, single submitter. Criteria: Ambry Variant Classification Scheme 2023. Collection method: clinical testing. Allele origin: germline.
Comment: The p.Y275H variant (also known as c.823T>C), located in coding exon 8 of the CEP57 gene, results from a T to C substitution at nucleotide position 823. The tyrosine at codon 275 is replaced by histidine, an amino acid with similar properties. This amino acid position is conserved. In addition, this alteration is predicted to be tolerated by in silico analysis. Based on the available evidence, the clinical significance of this variant remains unclear.

NM_014679.5(CEP57):c.823T>C (p.Tyr275His)

Gene: CEP57 (centrosomal protein 57; plus strand). Cytogenetic location: 11q21.
Variant type: single nucleotide variant.
Coding change: c.823T>C on transcript NM_014679.5 (MANE Select); coding-DNA position 823, T replaced by C.
Protein change: p.Tyr275His; replaces tyrosine 275 with histidine.
Molecular consequence: missense variant. On other transcripts: intron variant (4).
Genome position (GRCh38, 1-based): chr11:95,822,514, T>C. VCF-style: chr11-95822514-T-C. GRCh37 (hg19) VCF-style: chr11-95555678-T-C.
Other names: c.625T>C, p.Tyr209His (NM_001440877.1, NM_001440878.1); c.598T>C, p.Tyr200His (NM_001440879.1); c.562T>C, p.Tyr188His (NM_001440880.1); c.526T>C, p.Tyr176His (NM_001440881.1); c.807+536T>C (NM_001243777.2); c.699+3610T>C (NM_001440874.1); c.690+536T>C (NM_001440876.1); c.796T>C, p.Tyr266His (NM_001243776.2); and 6 more; short protein forms Y176H, Y188H, Y200H, Y209H, Y212H, Y215H, Y236H, Y239H.
Identifiers: ClinVar variation 4868773 (VCV004868773.1).